The following is an entry in ClinVar:

ClinVar aggregate classification (germline): Conflicting classifications of pathogenicity. Review status: criteria provided, conflicting classifications (1 of 4 stars). 4 submissions from 3 submitters: Uncertain significance (3); Benign (1). Last evaluated 2025-12-16.

Conditions:
Adams-Oliver syndrome 5 (AOS5). Identifiers: Orphanet 974, MedGen C4014970, MONDO:0014459, OMIM 616028.
Familial thoracic aortic aneurysm and aortic dissection (TAAD). Also called: Thoracic aortic aneurysms and dissections. Identifiers: Orphanet 91387, MedGen C4707243, MONDO:0019625.
Aortic valve disease 1 (AOVD1). Identifiers: MedGen C3887892, MONDO:0024523, OMIM 109730.

Allele frequency attached by ClinVar (database versions not stated): gnomAD 0.00001; ExAC 0.00002; gnomAD exomes 0.00002 and 0.00004; TOPMed 0.00002; ESP Exome Variant Server 0.00008.
gnomAD v4.1: 59 of 1,612,970 alleles (0.0037%); highest among the groups gnomAD compares: Non-Finnish European, 0.0047%; no homozygotes.

Submissions (4):

Labcorp Genetics (formerly Invitae), Labcorp
Classification: Benign for Adams-Oliver syndrome 5. Last evaluated: 2025-12-16. Review status: criteria provided, single submitter. Criteria: Invitae Variant Classification Sherloc (09022015). Collection method: clinical testing. Allele origin: germline.

Ambry Genetics
Classification: Uncertain significance for Familial thoracic aortic aneurysm and aortic dissection. Last evaluated: 2025-06-20. Review status: criteria provided, single submitter. Criteria: Ambry Variant Classification Scheme 2023. Collection method: clinical testing. Allele origin: germline.
Comment: The p.N918S variant (also known as c.2753A>G), located in coding exon 18 of the NOTCH1 gene, results from an A to G substitution at nucleotide position 2753. The asparagine at codon 918 is replaced by serine, an amino acid with highly similar properties. This amino acid position is highly conserved in available vertebrate species. In addition, the in silico prediction for this alteration is inconclusive. Since supporting evidence is limited at this time, the clinical significance of this alteration remains unclear.

Genome-Nilou Lab
Classification: Uncertain significance for Adams-Oliver syndrome 5. Last evaluated: 2022-03-15. Review status: criteria provided, single submitter. Criteria: ACMG Guidelines, 2015. Collection method: clinical testing. Allele origin: germline. Affected: no.

Genome-Nilou Lab
Classification: Uncertain significance for Aortic valve disease 1. Last evaluated: 2022-03-15. Review status: criteria provided, single submitter. Criteria: ACMG Guidelines, 2015. Collection method: clinical testing. Allele origin: germline. Affected: no.

NM_017617.5(NOTCH1):c.2753A>G (p.Asn918Ser)

Gene: NOTCH1 (notch receptor 1; minus strand). Cytogenetic location: 9q34.3.
Variant type: single nucleotide variant.
Coding change: c.2753A>G on transcript NM_017617.5 (MANE Select); coding-DNA position 2753, A replaced by G.
Protein change: p.Asn918Ser; replaces asparagine 918 with serine.
Molecular consequence: missense variant.
Genome position (GRCh38, 1-based): chr9:136,509,949, T>C on the plus strand (A>G on the coding strand, the complement: NOTCH1 is on the minus strand). VCF-style: chr9-136509949-T-C. GRCh37 (hg19) VCF-style: chr9-139404401-T-C.
Other names: c.2753A>G, p.Asn918Ser (LRG_1122t1); short protein forms N918S.
Identifiers: ClinVar variation 520098 (VCV000520098.18), dbSNP rs367586502, ClinGen allele CA5341151.
Genomic context (GRCh38, chr9:136,509,949, plus strand): 5'-CGGAAGCCGGGCAGGCAGTCGCAGAAGGCCGTGTTGATGCCGTCTGTGCAGGAGCCCCCG[T>C]TGTGACACGGGTCTGGGAGAGGACGGAAGGGTGAGTGTGAGGGGCAGGCACAAACCCACA-3'
Protein context (NP_060087.3, residues 908-928): IDDCRPNPCH[Asn918Ser]GGSCTDGINT